The following is an entry in ClinVar:

NM_001384732.1(CPLANE1):c.1121+250T>C

Gene: CPLANE1 (ciliogenesis and planar polarity effector complex subunit 1; minus strand). Cytogenetic location: 5p13.2.
Variant type: single nucleotide variant.
Coding change: c.1121+250T>C on transcript NM_001384732.1 (MANE Select); 250 bases into the intron after coding-DNA position 1121, T replaced by C.
Molecular consequence: intron variant.
Genome position (GRCh38, 1-based): chr5:37,230,617, A>G on the plus strand (T>C on the coding strand, the complement: CPLANE1 is on the minus strand). VCF-style: chr5-37230617-A-G. GRCh37 (hg19) VCF-style: chr5-37230719-A-G.
Other names: c.1121+250T>C (NM_023073.4).
Identifiers: ClinVar variation 669390 (VCV000669390.1), dbSNP rs76304020, ClinGen allele CA117060140.

ClinVar aggregate classification (germline): Benign (1 of 4 stars; one submission).

Allele frequency attached by ClinVar (database versions not stated): 1000 Genomes Project 0.11542; gnomAD 0.11679 and 0.11689; 1000 Genomes Project 30x 0.11680; TOPMed 0.11792.
gnomAD v4.1: 17,729 of 152,122 alleles (12%); highest among the groups gnomAD compares: Admixed American, 16%; 1,100 homozygotes.

Submission:

GeneDx
Classification: Benign. Last evaluated: 2018-06-19. Review status: criteria provided, single submitter. Criteria: GeneDx Variant Classification (06012015). Collection method: clinical testing. Allele origin: germline. Affected: yes.
Comment: This variant is considered likely benign or benign based on one or more of the following criteria: it is a conservative change, it occurs at a poorly conserved position in the protein, it is predicted to be benign by multiple in silico algorithms, and/or has population frequency not consistent with disease.